The following is an entry in ClinVar:

NM_006648.4(WNK2):c.5090G>C (p.Gly1697Ala)

Gene: WNK2 (WNK lysine deficient protein kinase 2; plus strand). Cytogenetic location: 9q22.31.
Variant type: single nucleotide variant.
Coding change: c.5090G>C on transcript NM_006648.4 (MANE Select); coding-DNA position 5090, G replaced by C.
Protein change: p.Gly1697Ala; replaces glycine 1697 with alanine.
Molecular consequence: missense variant.
Genome position (GRCh38, 1-based): chr9:93,292,555, G>C. VCF-style: chr9-93292555-G-C. GRCh37 (hg19) VCF-style: chr9-96054837-G-C.
Other names: c.5201G>C, p.Gly1734Ala (NM_001282394.3); short protein forms G1697A, G1734A.
Identifiers: ClinVar variation 2257979 (VCV002257979.3), dbSNP rs749013927, ClinGen allele CA374071063.

ClinVar aggregate classification (germline): Uncertain significance (1 of 4 stars; one submission).

Allele frequency attached by ClinVar (database versions not stated): gnomAD 0.00001; TOPMed 0.00001.
gnomAD v4.1: 4 of 1,571,074 alleles (0.00025%); highest among the groups gnomAD compares: African/African-American, 0.0014%; no homozygotes.

Submission:

Ambry Genetics
Classification: Uncertain significance. Last evaluated: 2025-01-14. Review status: criteria provided, single submitter. Criteria: Ambry Variant Classification Scheme 2023. Collection method: clinical testing. Allele origin: germline.
Comment: The p.G1697A variant (also known as c.5090G>C), located in coding exon 22 of the WNK2 gene, results from a G to C substitution at nucleotide position 5090. The glycine at codon 1697 is replaced by alanine, an amino acid with similar properties. This amino acid position is conserved. In addition, this alteration is predicted to be tolerated by in silico analysis. Based on the available evidence, the clinical significance of this variant remains unclear.